The following is an entry in ClinVar:

ClinVar aggregate classification (germline): Uncertain significance (1 of 4 stars; one submission).

Conditions:
Sulfite oxidase deficiency due to molybdenum cofactor deficiency type A. Also called: Molybdenum cofactor deficiency, complementation group A; Molybdenum Cofactor Deficiency A. Identifiers: Orphanet 308386, Orphanet 833, MedGen C1854988, MONDO:0009643, OMIM 252150.

Submission:

Labcorp Genetics (formerly Invitae), Labcorp
Classification: Uncertain significance for Sulfite oxidase deficiency due to molybdenum cofactor deficiency type A. Last evaluated: 2025-08-29. Review status: criteria provided, single submitter. Criteria: Invitae Variant Classification Sherloc (09022015). Collection method: clinical testing. Allele origin: germline.
Comment: This sequence change replaces alanine, which is neutral and non-polar, with glycine, which is neutral and non-polar, at codon 54 of the MOCS1 protein (p.Ala54Gly). This variant is not present in population databases (gnomAD no frequency). This variant has not been reported in the literature in individuals affected with MOCS1-related conditions. An algorithm developed to predict the effect of missense changes on protein structure and function (PolyPhen-2) suggests that this variant is likely to be tolerated. In summary, the available evidence is currently insufficient to determine the role of this variant in disease. Therefore, it has been classified as a Variant of Uncertain Significance.

NM_001358530.2(MOCS1):c.161C>G (p.Ala54Gly)

Gene: MOCS1 (molybdenum cofactor synthesis 1; minus strand). Cytogenetic location: 6p21.2.
Variant type: single nucleotide variant.
Coding change: c.161C>G on transcript NM_001358530.2 (MANE Select); coding-DNA position 161, C replaced by G.
Protein change: p.Ala54Gly; replaces alanine 54 with glycine.
Molecular consequence: missense variant. On other transcripts: 5 prime UTR variant (1), intron variant (2).
Genome position (GRCh38, 1-based): chr6:39,927,418, G>C on the plus strand (C>G on the coding strand, the complement: MOCS1 is on the minus strand). VCF-style: chr6-39927418-G-C. GRCh37 (hg19) VCF-style: chr6-39895157-G-C.
Other names: c.161C>G, p.Ala54Gly (NM_001075098.4, NM_001358529.2, NM_005943.6); c.-101C>G (NM_001358534.2); c.-11-1573C>G (NM_001358531.2, NM_001358533.2); short protein forms A54G.
Identifiers: ClinVar variation 4726294 (VCV004726294.1).
Genomic context (GRCh38, chr6:39,927,418, plus strand): 5'-ATCCGCAGGTAGCTGTGCTGCCGGCCGAAGCTGTCTGTGAGGAAGGCGGAGAAGGGGGCC[G>C]CATGCTCCCGCAGGAACTGCCTCCGCCTGGACACCTCCTGCGAGGACAGACCAGGGAGGA-3'
Protein context (NP_001345459.1, residues 44-64): SRRRQFLREH[Ala54Gly]APFSAFLTDS